The following is an entry in ClinVar:

NM_001358530.2(MOCS1):c.124-123A>G

Gene: MOCS1 (molybdenum cofactor synthesis 1; minus strand). Cytogenetic location: 6p21.2.
Variant type: single nucleotide variant.
Coding change: c.124-123A>G on transcript NM_001358530.2 (MANE Select); 123 bases into the intron before coding-DNA position 124, A replaced by G.
Molecular consequence: intron variant. On other transcripts: missense variant (1), initiator codon variant (1).
Genome position (GRCh38, 1-based): chr6:39,927,578, T>C on the plus strand (A>G on the coding strand, the complement: MOCS1 is on the minus strand). VCF-style: chr6-39927578-T-C. GRCh37 (hg19) VCF-style: chr6-39895317-T-C.
Other names: c.1A>G, p.Met1Val (NM_005943.6); c.-11-1733A>G (NM_001358531.2, NM_001358533.2); c.124-123A>G (NM_001358529.2, NM_001075098.4); c.-138-123A>G (NM_001358534.2); short protein forms M1V.
Identifiers: ClinVar variation 1722414 (VCV001722414.2), dbSNP rs2482421210, ClinGen allele CA364045459.
Genomic context (GRCh38, chr6:39,927,578, plus strand): 5'-GAGAACCGCCTGCCCCCTCCCTTACTCTGACATCTGTGCGGAGCTTCCAACTCTTCCACA[T>C]GTTTGGGCTCTGCAATGTTGGGGAAGCTGGGATTGTCCCTCTCGTTGAGAAATCAGCTTG-3'

ClinVar aggregate classification (germline): Uncertain significance (1 of 4 stars; one submission).

Submission:

Women's Health and Genetics/Laboratory Corporation of America, LabCorp
Classification: Uncertain significance. Last evaluated: 2022-09-16. Review status: criteria provided, single submitter. Criteria: LabCorp Variant Classification Summary - May 2015. Collection method: clinical testing. Allele origin: germline.
Comment: Variant summary: MOCS1 c.1A>G (p.Met1Val) alters the initiation codon and is predicted to result either in absence of the protein or truncation of the encoded protein due to translation initiation at a downstream codon. An alternative downstream in-frame methionine codon (Met88) is located near the start of exon 2 in the encoded protein. Activation of this potential downstream translation initiation site would result in a shortened protein missing the first 87 amino acids from the protein sequence. At least one pathogenic/likely pathogenic variant has been reported upstream of this alternate methionine codon (c.217C>T, p.Arg73Trp; ClinVar Variation ID: 6121). Two of three in-silico tools predict a benign effect of the variant on protein function. The variant was absent in 244452 control chromosomes (gnomAD). To our knowledge, no occurrence of c.1A>G in individuals affected with sulfite oxidase deficiency due to molybdenum cofactor deficiency type A and no experimental evidence demonstrating its impact on protein function have been reported. No clinical diagnostic laboratories have submitted clinical-significance assessments for this variant to ClinVar after 2014. Based on the evidence outlined above, the variant was classified as VUS-possibly pathogenic.